The following is an entry in ClinVar:

ClinVar aggregate classification (germline): Uncertain significance (1 of 4 stars; one submission).

Conditions:
Joubert syndrome. Also called: CEREBELLOPARENCHYMAL DISORDER IV; JOUBERT-BOLTSHAUSER SYNDROME; Familial aplasia of the vermis. Identifiers: Orphanet 475, MedGen C5979921, MONDO:0018772.
Meckel-Gruber syndrome. Also called: DYSENCEPHALIA SPLANCHNOCYSTICA; GRUBER SYNDROME; Dysencephalia splachnocystica. Identifiers: Orphanet 564, MedGen C0265215, MONDO:0018921.

Allele frequency attached by ClinVar (database versions not stated): TOPMed 0.00001.
gnomAD v4.1: 5 of 1,614,204 alleles (0.00031%); highest among the groups gnomAD compares: Non-Finnish European, 0.00042%; no homozygotes.

Submission:

Labcorp Genetics (formerly Invitae), Labcorp
Classification: Uncertain significance for Joubert syndrome; Meckel-Gruber syndrome. Last evaluated: 2022-08-15. Review status: criteria provided, single submitter. Criteria: Invitae Variant Classification Sherloc (09022015). Collection method: clinical testing. Allele origin: germline.
Comment: This sequence change replaces leucine, which is neutral and non-polar, with valine, which is neutral and non-polar, at codon 677 of the TCTN2 protein (p.Leu677Val). This variant is not present in population databases (gnomAD no frequency). This variant has not been reported in the literature in individuals affected with TCTN2-related conditions. Algorithms developed to predict the effect of missense changes on protein structure and function (SIFT, PolyPhen-2, Align-GVGD) all suggest that this variant is likely to be tolerated. In summary, the available evidence is currently insufficient to determine the role of this variant in disease. Therefore, it has been classified as a Variant of Uncertain Significance.

NM_024809.5(TCTN2):c.2029T>G (p.Leu677Val)

Gene: TCTN2 (tectonic family member 2; plus strand). Cytogenetic location: 12q24.31.
Variant type: single nucleotide variant.
Coding change: c.2029T>G on transcript NM_024809.5 (MANE Select); coding-DNA position 2029, T replaced by G.
Protein change: p.Leu677Val; replaces leucine 677 with valine.
Molecular consequence: missense variant.
Genome position (GRCh38, 1-based): chr12:123,707,648, T>G. VCF-style: chr12-123707648-T-G. GRCh37 (hg19) VCF-style: chr12-124192195-T-G.
Other names: c.2026T>G, p.Leu676Val (NM_001143850.3); c.1894T>G, p.Leu632Val (NM_001410989.1); short protein forms L676V, L677V, L632V.
Identifiers: ClinVar variation 1964907 (VCV001964907.2), dbSNP rs1271806468, ClinGen allele CA387149673.
Genomic context (GRCh38, chr12:123,707,648, plus strand): 5'-GTCCATTGTTTTTCAGGGGAGCTGCATTCTCAGTGTGTTGCTAAGGGCTTACTGTTGCTG[T>G]TGTTCCTCACATTGGCCTTGTTCCTCAGCAACCCCTGGACCAGAATATGCAAAGCCTATA-3'
Protein context (NP_079085.2, residues 667-687): QCVAKGLLLL[Leu677Val]FLTLALFLSN